The following is an entry in ClinVar:

NM_000260.4(MYO7A):c.3551C>G (p.Ser1184Cys)

Gene: MYO7A (myosin VIIA; plus strand). Cytogenetic location: 11q13.5.
Variant type: single nucleotide variant.
Coding change: c.3551C>G on transcript NM_000260.4 (MANE Select); coding-DNA position 3551, C replaced by G.
Protein change: p.Ser1184Cys; replaces serine 1184 with cysteine.
Molecular consequence: missense variant.
Genome position (GRCh38, 1-based): chr11:77,189,391, C>G. VCF-style: chr11-77189391-C-G. GRCh37 (hg19) VCF-style: chr11-76900436-C-G.
Other names: c.3551C>G, p.Ser1184Cys (NM_001127180.2); c.3518C>G, p.Ser1173Cys (NM_001369365.1); short protein forms S1173C, S1184C.
Identifiers: ClinVar variation 3377450 (VCV003377450.2).

ClinVar aggregate classification (germline): Uncertain significance. Review status: criteria provided, multiple submitters, no conflicts (2 of 4 stars). 2 submissions from 2 submitters: Uncertain significance (2). Last evaluated 2025-12-15.

Conditions:
Inborn genetic diseases. Identifiers: MedGen C0950123, MeSH D030342.
Autosomal dominant nonsyndromic hearing loss 11. Identifiers: Orphanet 90635, MedGen C1832475, MONDO:0011032, OMIM 601317.

gnomAD v4.1: 1 of 1,613,876 alleles (0.000062%); highest among the groups gnomAD compares: Non-Finnish European, 0.000085%; no homozygotes.

Submissions (2):

Ambry Genetics
Classification: Uncertain significance for Inborn genetic diseases. Last evaluated: 2025-12-15. Review status: criteria provided, single submitter. Criteria: Ambry Variant Classification Scheme 2023. Collection method: clinical testing. Allele origin: germline.

Victorian Clinical Genetics Services, Murdoch Childrens Research Institute
Classification: Uncertain significance for Autosomal dominant nonsyndromic hearing loss 11. Last evaluated: 2020-06-11. Review status: criteria provided, single submitter. Criteria: ACMG Guidelines, 2015. Collection method: clinical testing. Allele origin: germline.
Comment: Based on the classification scheme VCGS_Germline_v1.1.1, this variant is classified as VUS - 3B. Following criteria are met: 0102 - Loss-of-function is a known mechanism of disease for this gene. (N) 0108 - This gene is known to be associated with both recessive and dominant disease. Only missense variants have been reported for autosomal dominant deafness, and there is currently no genotype-phenotype correlation (OMIM). (N) 0200 - Variant is predicted to result in a missense amino acid change from serine to cysteine (exon 28). (N) 0251 - Variant is heterozygous. (N) 0301 - Variant is absent from gnomAD. (P) 0501 - Missense variant consistently predicted to be damaging by multiple in silico tools or highly conserved with a major amino acid change. (P) 0600 - Variant is located in an annotated domain or motif (MyTH4 domain; PDB, NCBI). (N) 0705 - No comparable variants have previous evidence for pathogenicity. (N) 0807 - Variant has not previously been reported in a clinical context. (N) 0905 - No segregation evidence has been identified for this variant. (N) 1007 - No published functional evidence has been identified for this variant. (N) 1208 - Inheritance information for this variant is not currently available. (N) Legend: (P) - Pathogenic, (N) - Neutral, (B) - Benign